The following is an entry in ClinVar:

ClinVar aggregate classification (germline): Pathogenic (1 of 4 stars; one submission).

Conditions:
Peroxisome biogenesis disorder. Identifiers: Orphanet 79189, MedGen C1832200, MONDO:0019234. Disease mechanism: loss of function.

Allele frequency attached by ClinVar (database versions not stated): gnomAD exomes below 0.00001; TOPMed below 0.00001; gnomAD 0.00001.

Submission:

Labcorp Genetics (formerly Invitae), Labcorp
Classification: Pathogenic for Peroxisome biogenesis disorder. Last evaluated: 2022-12-29. Review status: criteria provided, single submitter. Criteria: Invitae Variant Classification Sherloc (09022015). Collection method: clinical testing. Allele origin: germline.
Comment: This variant has not been reported in the literature in individuals affected with PEX6-related conditions. This variant is present in population databases (no rsID available, gnomAD 0.007%). This sequence change creates a premature translational stop signal (p.Arg736Aspfs*22) in the PEX6 gene. It is expected to result in an absent or disrupted protein product. Loss-of-function variants in PEX6 are known to be pathogenic (PMID: 8670792, 19877282, 21031596). ClinVar contains an entry for this variant (Variation ID: 1458568). For these reasons, this variant has been classified as Pathogenic.

Literature cited by the submitters: PubMed 8670792; PubMed 19877282; PubMed 21031596.

NM_000287.4(PEX6):c.2205del (p.Arg736fs)

Gene: PEX6 (peroxisomal biogenesis factor 6; minus strand). Cytogenetic location: 6p21.1.
Variant type: Deletion.
Coding change: c.2205del on transcript NM_000287.4 (MANE Select); coding-DNA position 2205, one base deleted (G; older notation c.2205delG).
Protein change: p.Arg736fs; shifts the reading frame from arginine 736.
Molecular consequence: frameshift variant.
Genome position (GRCh38, 1-based): chr6:42,966,337, C deleted on the plus strand (G on the coding strand, the reverse complement: PEX6 is on the minus strand). VCF-style (leftmost placement, unchanged base first): chr6-42966336-TC-T. GRCh37 (hg19) VCF-style: chr6-42934074-TC-T.
Other names: c.1941del, p.Arg648fs (NM_001316313.2); short protein forms R648fs, R736fs.
Identifiers: ClinVar variation 1458568 (VCV001458568.6), dbSNP rs1197432552, ClinGen allele CA567149801.
Genomic context (GRCh38, chr6:42,966,336, plus strand): 5'-CCTTGGCCAGAAGGGTCTTGCCGGTGCCAGGGGGCCCATGGAGCAGAAGGCCTGAGCGTC[TC>T]AGGCCCAGGCTCAGTAGCTCAGGGTGCTCCAGGGGGAGCTGAATGGTCTCCAGGATCTCC-3'